The following is an entry in ClinVar:

ClinVar aggregate classification (germline): Uncertain significance (1 of 4 stars; one submission).

Submission:

Labcorp Genetics (formerly Invitae), Labcorp
Classification: Uncertain significance. Last evaluated: 2023-11-14. Review status: criteria provided, single submitter. Criteria: Invitae Variant Classification Sherloc (09022015). Collection method: clinical testing. Allele origin: germline.
Comment: This sequence change replaces aspartic acid, which is acidic and polar, with asparagine, which is neutral and polar, at codon 511 of the ROR2 protein (p.Asp511Asn). This variant is not present in population databases (gnomAD no frequency). This variant has not been reported in the literature in individuals affected with ROR2-related conditions. Advanced modeling of protein sequence and biophysical properties (such as structural, functional, and spatial information, amino acid conservation, physicochemical variation, residue mobility, and thermodynamic stability) has been performed at Invitae for this missense variant, however the output from this modeling did not meet the statistical confidence thresholds required to predict the impact of this variant on ROR2 protein function. In summary, the available evidence is currently insufficient to determine the role of this variant in disease. Therefore, it has been classified as a Variant of Uncertain Significance.

NM_004560.4(ROR2):c.1531G>A (p.Asp511Asn)

Gene: ROR2 (receptor tyrosine kinase like orphan receptor 2; minus strand). Cytogenetic location: 9q22.31.
Variant type: single nucleotide variant.
Coding change: c.1531G>A on transcript NM_004560.4 (MANE Select); coding-DNA position 1531, G replaced by A.
Protein change: p.Asp511Asn; replaces aspartic acid 511 with asparagine.
Molecular consequence: missense variant.
Genome position (GRCh38, 1-based): chr9:91,724,963, C>T on the plus strand (G>A on the coding strand, the complement: ROR2 is on the minus strand). VCF-style: chr9-91724963-C-T. GRCh37 (hg19) VCF-style: chr9-94487245-C-T.
Other names: short protein forms D511N.
Identifiers: ClinVar variation 2806561 (VCV002806561.3), dbSNP rs2490121725, ClinGen allele CA373798232.
Genomic context (GRCh38, chr9:91,724,963, plus strand): 5'-GCCGTGCTCGCAGCATAGCCTCATGCCGGAACTCCTCCCGCAGGGGCCCCTCCGCTTTGT[C>T]CTTCAGCGTTTTGATGGCCACAGCCTGGGTCTGCTCCCCCGGGGCAGGGCCGAACAGGTG-3'
Protein context (NP_004551.2, residues 501-521): TQAVAIKTLK[Asp511Asn]KAEGPLREEF